The following is an entry in ClinVar:

ClinVar aggregate classification (germline): Uncertain significance (1 of 4 stars; one submission).

gnomAD v4.1: 4 of 1,614,218 alleles (0.00025%); highest among the groups gnomAD compares: Non-Finnish European, 0.00025%; no homozygotes.

Submission:

GeneDx
Classification: Uncertain significance. Last evaluated: 2019-06-27. Review status: criteria provided, single submitter. Criteria: GeneDx Variant Classification Process June 2021. Collection method: clinical testing. Allele origin: germline. Affected: yes.
Comment: Has not been previously published as pathogenic or benign to our knowledge; Not observed in large population cohorts (Lek et al., 2016); In silico analysis, which includes protein predictors and evolutionary conservation, supports a deleterious effect

NM_000384.3(APOB):c.5636T>G (p.Ile1879Ser)

Gene: APOB (apolipoprotein B; minus strand). Cytogenetic location: 2p24.1.
Variant type: single nucleotide variant.
Coding change: c.5636T>G on transcript NM_000384.3 (MANE Select); coding-DNA position 5636, T replaced by G.
Protein change: p.Ile1879Ser; replaces isoleucine 1879 with serine.
Molecular consequence: missense variant.
Genome position (GRCh38, 1-based): chr2:21,011,232, A>C on the plus strand (T>G on the coding strand, the complement: APOB is on the minus strand). VCF-style: chr2-21011232-A-C. GRCh37 (hg19) VCF-style: chr2-21234104-A-C.
Other names: short protein forms I1879S.
Identifiers: ClinVar variation 918956 (VCV000918956.5), dbSNP rs963000267, ClinGen allele CA43506482.